The following is an entry in ClinVar:

ClinVar aggregate classification (germline): Uncertain significance (1 of 4 stars; one submission).

Allele frequency attached by ClinVar (database versions not stated): gnomAD 0.00001; gnomAD exomes 0.00001; ExAC 0.00002.
gnomAD v4.1: 4 of 1,611,500 alleles (0.00025%); highest among the groups gnomAD compares: Non-Finnish European, 0.00034%; no homozygotes.

Submission:

Labcorp Genetics (formerly Invitae), Labcorp
Classification: Uncertain significance. Last evaluated: 2025-03-17. Review status: criteria provided, single submitter. Criteria: Invitae Variant Classification Sherloc (09022015). Collection method: clinical testing. Allele origin: germline.
Comment: This sequence change falls in intron 3 of the UQCRC2 gene. It does not directly change the encoded amino acid sequence of the UQCRC2 protein. This variant is present in population databases (rs747689122, gnomAD 0.002%). This variant has not been reported in the literature in individuals affected with UQCRC2-related conditions. ClinVar contains an entry for this variant (Variation ID: 1945580). Algorithms developed to predict the effect of sequence changes on RNA splicing suggest that this variant may create or strengthen a splice site. In summary, the available evidence is currently insufficient to determine the role of this variant in disease. Therefore, it has been classified as a Variant of Uncertain Significance.

NM_003366.4(UQCRC2):c.268-15T>G

Genes: PDZD9 (PDZ domain containing 9), UQCRC2 (ubiquinol-cytochrome c reductase core protein 2). Cytogenetic location: 16p12.2.
Variant type: single nucleotide variant.
Coding change: c.268-15T>G on transcript NM_003366.4 (MANE Select); 15 bases into the intron before coding-DNA position 268, T replaced by G.
Molecular consequence: intron variant.
Genome position (GRCh38, 1-based): chr16:21,958,520, T>G. VCF-style: chr16-21958520-T-G. GRCh37 (hg19) VCF-style: chr16-21969841-T-G.
Identifiers: ClinVar variation 1945580 (VCV001945580.5), dbSNP rs747689122, ClinGen allele CA7953678.